The following is an entry in ClinVar:

ClinVar aggregate classification (germline): Uncertain significance (1 of 4 stars; one submission).

gnomAD v4.1: 2 of 1,285,858 alleles (0.00016%); highest among the groups gnomAD compares: African/African-American, 0.0014%; no homozygotes.

Submission:

GeneDx
Classification: Uncertain significance. Last evaluated: 2026-04-28. Review status: criteria provided, single submitter. Criteria: GeneDx Variant Classification Process June 2021. Collection method: clinical testing. Allele origin: germline.
Comment: Not observed at significant frequency in large population cohorts (gnomAD); In silico analysis supports that this missense variant does not alter protein structure/function; Has not been previously published as pathogenic or benign to our knowledge

NM_004369.4(COL6A3):c.8879C>G (p.Ala2960Gly)

Gene: COL6A3 (collagen type VI alpha 3 chain; minus strand). Cytogenetic location: 2q37.3.
Variant type: single nucleotide variant.
Coding change: c.8879C>G on transcript NM_004369.4 (MANE Select); coding-DNA position 8879, C replaced by G.
Protein change: p.Ala2960Gly; replaces alanine 2960 with glycine.
Molecular consequence: missense variant.
Genome position (GRCh38, 1-based): chr2:237,336,221, G>C on the plus strand (C>G on the coding strand, the complement: COL6A3 is on the minus strand). VCF-style: chr2-237336221-G-C. GRCh37 (hg19) VCF-style: chr2-238244864-G-C.
Other names: c.7058C>G, p.Ala2353Gly (NM_057166.5); c.8261C>G, p.Ala2754Gly (NM_057167.4); short protein forms A2353G, A2754G, A2960G.
Identifiers: ClinVar variation 3360395 (VCV003360395.2).